The following is an entry in ClinVar:

NM_152558.5(IQCE):c.786C>G (p.Leu262=)

Gene: IQCE (IQ motif containing E; plus strand). Cytogenetic location: 7p22.3.
Variant type: single nucleotide variant.
Coding change: c.786C>G on transcript NM_152558.5 (MANE Select); coding-DNA position 786, C replaced by G.
Protein change: p.Leu262=; no amino-acid change (leucine 262 retained).
Molecular consequence: synonymous variant.
Genome position (GRCh38, 1-based): chr7:2,584,247, C>G. VCF-style: chr7-2584247-C-G. GRCh37 (hg19) VCF-style: chr7-2623881-C-G.
Other names: c.786C>G, p.Leu262= (NM_001287499.2); c.738C>G, p.Leu246= (NM_001287500.2); c.591C>G, p.Leu197= (NM_001287501.2, NM_001287502.2).
Identifiers: ClinVar variation 717857 (VCV000717857.4), dbSNP rs7786703, ClinGen allele CA4128880.

ClinVar aggregate classification (germline): Benign. Review status: criteria provided, multiple submitters, no conflicts (2 of 4 stars). 2 submissions from 2 submitters: Benign (2). Last evaluated 2025-08-28.

Conditions:
IQCE-related disorder. Also called: IQCE-related condition.

Allele frequency attached by ClinVar (database versions not stated): gnomAD 0.00846 and 0.01019; 1000 Genomes Project 0.00899; 1000 Genomes Project 30x 0.00906; ESP Exome Variant Server 0.01016; TOPMed 0.01151.
gnomAD v4.1: 2,966 of 1,613,994 alleles (0.18%); highest among the groups gnomAD compares: African/African-American, 2.8%; 44 homozygotes.

Submissions (2):

PreventionGenetics, part of Exact Sciences
Classification: Benign for IQCE-related condition. Last evaluated: 2025-08-28. Review status: criteria provided, single submitter. Criteria: ACMG Guidelines, 2015. Collection method: clinical testing. Allele origin: germline.
Comment: This variant is classified as benign based on ACMG/AMP sequence variant interpretation guidelines (Richards et al. 2015 PMID: 25741868, with internal and published modifications).

Labcorp Genetics (formerly Invitae), Labcorp
Classification: Benign. Last evaluated: 2018-07-26. Review status: criteria provided, single submitter. Criteria: Invitae Variant Classification Sherloc (09022015). Collection method: clinical testing. Allele origin: germline.